The following is an entry in ClinVar:

NM_000057.4(BLM):c.61C>G (p.Leu21Val)

Gene: BLM (BLM RecQ like helicase; plus strand). Cytogenetic location: 15q26.1.
Variant type: single nucleotide variant.
Coding change: c.61C>G on transcript NM_000057.4 (MANE Select); coding-DNA position 61, C replaced by G.
Protein change: p.Leu21Val; replaces leucine 21 with valine.
Molecular consequence: missense variant. On other transcripts: 5 prime UTR variant (1).
Genome position (GRCh38, 1-based): chr15:90,747,453, C>G. VCF-style: chr15-90747453-C-G. GRCh37 (hg19) VCF-style: chr15-91290683-C-G.
Other names: c.61C>G, p.Leu21Val (NM_001287246.2, NM_001287247.2); c.-1231C>G (NM_001287248.2); short protein forms L21V.
Identifiers: ClinVar variation 826239 (VCV000826239.4), dbSNP rs1596215700, ClinGen allele CA393838929.

ClinVar aggregate classification (germline): Uncertain significance (1 of 4 stars; one submission).

Conditions:
Hereditary cancer-predisposing syndrome. Also called: Neoplastic Syndromes, Hereditary; Tumor predisposition; Hereditary neoplastic syndrome; Hereditary Cancer Syndrome. Identifiers: Orphanet 140162, MedGen C0027672, MeSH D009386, MONDO:0015356.

Submission:

Ambry Genetics
Classification: Uncertain significance for Hereditary cancer-predisposing syndrome. Last evaluated: 2019-07-10. Review status: criteria provided, single submitter. Criteria: Ambry Variant Classification Scheme 2023. Collection method: clinical testing. Allele origin: germline.
Comment: The p.L21V variant (also known as c.61C>G), located in coding exon 1 of the BLM gene, results from a C to G substitution at nucleotide position 61. The leucine at codon 21 is replaced by valine, an amino acid with highly similar properties. This nucleotide position is well conserved in available vertebrate species. This amino acid position is well conserved in available vertebrate species. In addition, this alteration is predicted to be tolerated by in silico analysis. Since supporting evidence is limited at this time, the clinical significance of this alteration remains unclear.